The following is an entry in ClinVar:

ClinVar aggregate classification (germline): Uncertain significance (1 of 4 stars; one submission).

Conditions:
Inborn genetic diseases. Identifiers: MedGen C0950123, MeSH D030342.

Submission:

Ambry Genetics
Classification: Uncertain significance for Inborn genetic diseases. Last evaluated: 2025-12-05. Review status: criteria provided, single submitter. Criteria: Ambry Variant Classification Scheme 2023. Collection method: clinical testing. Allele origin: germline.
Comment: The p.R332M variant (also known as c.995G>T), located in coding exon 4 of the SH2B3 gene, results from a G to T substitution at nucleotide position 995. The arginine at codon 332 is replaced by methionine, an amino acid with similar properties. This amino acid position is conserved. In addition, this alteration is predicted to be tolerated by in silico analysis. Based on the available evidence, the clinical significance of this variant remains unclear.

NM_005475.3(SH2B3):c.995G>T (p.Arg332Met)

Gene: SH2B3 (SH2B adaptor protein 3; plus strand). Cytogenetic location: 12q24.12.
Variant type: single nucleotide variant.
Coding change: c.995G>T on transcript NM_005475.3 (MANE Select); coding-DNA position 995, G replaced by T.
Protein change: p.Arg332Met; replaces arginine 332 with methionine.
Molecular consequence: missense variant.
Genome position (GRCh38, 1-based): chr12:111,447,193, G>T. VCF-style: chr12-111447193-G-T. GRCh37 (hg19) VCF-style: chr12-111884997-G-T.
Other names: c.389G>T, p.Arg130Met (NM_001291424.1); short protein forms R130M, R332M.
Identifiers: ClinVar variation 4630777 (VCV004630777.1).